The following is an entry in ClinVar:

NM_000214.3(JAG1):c.672G>C (p.Trp224Cys)

Gene: JAG1 (jagged canonical Notch ligand 1; minus strand). Cytogenetic location: 20p12.2.
Variant type: single nucleotide variant.
Coding change: c.672G>C on transcript NM_000214.3 (MANE Select); coding-DNA position 672, G replaced by C.
Protein change: p.Trp224Cys; replaces tryptophan 224 with cysteine.
Molecular consequence: missense variant.
Genome position (GRCh38, 1-based): chr20:10,658,490, C>G on the plus strand (G>C on the coding strand, the complement: JAG1 is on the minus strand). VCF-style: chr20-10658490-C-G. GRCh37 (hg19) VCF-style: chr20-10639138-C-G.
Other names: short protein forms W224C.
Identifiers: ClinVar variation 3573352 (VCV003573352.2).

Conditions:
Arteriohepatic dysplasia. Also called: Alagille Syndrome. Identifiers: Orphanet 52, MedGen C0085280, MeSH D016738, MONDO:0007318.

Submission:

Gilbert/Spinner Lab, Children's Hospital of Philadelphia
No classification provided (evidence only). Condition: Alagille syndrome. Review status: no classification provided. Collection method: research. Allele origin: not applicable. Functional consequence: functionally_abnormal.
ClinVar note: "not provided" was previously submitted as the classification for the variant. However, the classification appeared to be based only on an observation of functional data so it was converted to no classification on 2025-07-30.